The following is an entry in ClinVar:

ClinVar aggregate classification (germline): Uncertain significance (1 of 4 stars; one submission).

Conditions:
Bardet-Biedl syndrome (BBS). Identifiers: Orphanet 110, MedGen C0752166, MONDO:0015229.

Allele frequency attached by ClinVar (database versions not stated): gnomAD exomes below 0.00001.
gnomAD v4.1: 4 of 1,614,126 alleles (0.00025%); highest among the groups gnomAD compares: Non-Finnish European, 0.00034%; no homozygotes.

Submission:

Labcorp Genetics (formerly Invitae), Labcorp
Classification: Uncertain significance for Bardet-Biedl syndrome. Last evaluated: 2021-02-04. Review status: criteria provided, single submitter. Criteria: Invitae Variant Classification Sherloc (09022015). Collection method: clinical testing. Allele origin: germline.
Comment: This sequence change replaces phenylalanine with leucine at codon 373 of the TTC8 protein (p.Phe373Leu). The phenylalanine residue is highly conserved and there is a small physicochemical difference between phenylalanine and leucine. This variant is not present in population databases (ExAC no frequency). This variant has not been reported in the literature in individuals with TTC8-related conditions. Algorithms developed to predict the effect of missense changes on protein structure and function (SIFT, PolyPhen-2, Align-GVGD) all suggest that this variant is likely to be tolerated, but these predictions have not been confirmed by published functional studies and their clinical significance is uncertain. In summary, the available evidence is currently insufficient to determine the role of this variant in disease. Therefore, it has been classified as a Variant of Uncertain Significance.

NM_144596.4(TTC8):c.1147T>C (p.Phe383Leu)

Gene: TTC8 (tetratricopeptide repeat domain 8; plus strand). Cytogenetic location: 14q31.3.
Variant type: single nucleotide variant.
Coding change: c.1147T>C on transcript NM_144596.4 (MANE Select); coding-DNA position 1147, T replaced by C.
Protein change: p.Phe383Leu; replaces phenylalanine 383 with leucine.
Molecular consequence: missense variant. On other transcripts: non-coding transcript variant (1).
Genome position (GRCh38, 1-based): chr14:88,871,646, T>C. VCF-style: chr14-88871646-T-C. GRCh37 (hg19) VCF-style: chr14-89337990-T-C.
Other names: c.1195T>C, p.Phe399Leu (NM_001288781.1); c.553T>C, p.Phe185Leu (NM_001288782.1); c.430T>C, p.Phe144Leu (NM_001288783.1); c.1117T>C, p.Phe373Leu (NM_001366535.2, NM_198309.3); c.1027T>C, p.Phe343Leu (NM_001366536.2, NM_198310.3); short protein forms F144L, F185L, F343L, F373L, F383L, F399L.
Identifiers: ClinVar variation 842341 (VCV000842341.9), dbSNP rs2094934479, ClinGen allele CA390551951.